The following is an entry in ClinVar:

ClinVar aggregate classification (germline): Uncertain significance (1 of 4 stars; one submission).

Conditions:
Familial cold autoinflammatory syndrome 2 (FCAS2). Identifiers: Orphanet 247868, MedGen C2673198, MONDO:0012724, OMIM 611762.

Submission:

Labcorp Genetics (formerly Invitae), Labcorp
Classification: Uncertain significance for Familial cold autoinflammatory syndrome 2. Last evaluated: 2022-04-19. Review status: criteria provided, single submitter. Criteria: Invitae Variant Classification Sherloc (09022015). Collection method: clinical testing. Allele origin: germline.
Comment: Variants that disrupt the consensus splice site are a relatively common cause of aberrant splicing (PMID: 17576681, 9536098). Algorithms developed to predict the effect of sequence changes on RNA splicing suggest that this variant is not likely to affect RNA splicing. In summary, the available evidence is currently insufficient to determine the role of this variant in disease. Therefore, it has been classified as a Variant of Uncertain Significance. This variant has not been reported in the literature in individuals affected with NLRP12-related conditions. This sequence change falls in intron 1 of the NLRP12 gene. It does not directly change the encoded amino acid sequence of the NLRP12 protein. It affects a nucleotide within the consensus splice site. This variant is not present in population databases (gnomAD no frequency).

Literature cited by the submitters: PubMed 17576681; PubMed 9536098.

NM_144687.4(NLRP12):c.289+6G>A

Gene: NLRP12 (NLR family pyrin domain containing 12; minus strand). Cytogenetic location: 19q13.42.
Variant type: single nucleotide variant.
Coding change: c.289+6G>A on transcript NM_144687.4 (MANE Select); 6 bases into the intron after coding-DNA position 289, G replaced by A.
Molecular consequence: intron variant.
Genome position (GRCh38, 1-based): chr19:53,823,880, C>T on the plus strand (G>A on the coding strand, the complement: NLRP12 is on the minus strand). VCF-style: chr19-53823880-C-T. GRCh37 (hg19) VCF-style: chr19-54327134-C-T.
Other names: c.289+6G>A (NM_001277129.1, NM_001277126.2).
Identifiers: ClinVar variation 1916166 (VCV001916166.5), dbSNP rs759740682, ClinGen allele CA2580097739.
Genomic context (GRCh38, chr19:53,823,880, plus strand): 5'-GATTACAGGTATGAGTCACTGGACCCGGCTGGCATTCTAGCCTTGCCTGTCCCGCCACCT[C>T]CTTACCCCTCACCAGGTCCTCTCTCTGTCCTCTCTCCCACAGGTCCTTCCTGTTTATCCG-3'